The following is an entry in ClinVar:

NM_001852.4(COL9A2):c.240C>T (p.Pro80=)

Gene: COL9A2 (collagen type IX alpha 2 chain; minus strand). Cytogenetic location: 1p34.2.
Variant type: single nucleotide variant.
Coding change: c.240C>T on transcript NM_001852.4 (MANE Select); coding-DNA position 240, C replaced by T.
Protein change: p.Pro80=; no amino-acid change (proline 80 retained).
Molecular consequence: synonymous variant.
Genome position (GRCh38, 1-based): chr1:40,314,214, G>A on the plus strand (C>T on the coding strand, the complement: COL9A2 is on the minus strand). VCF-style: chr1-40314214-G-A. GRCh37 (hg19) VCF-style: chr1-40779886-G-A.
Identifiers: ClinVar variation 1328582 (VCV001328582.9), dbSNP rs372016237, ClinGen allele CA792061.

ClinVar aggregate classification (germline): Likely benign. Review status: criteria provided, multiple submitters, no conflicts (2 of 4 stars). 2 submissions from 2 submitters: Likely benign (2). Last evaluated 2024-03-12.

Allele frequency attached by ClinVar (database versions not stated): gnomAD 0.00001; TOPMed 0.00001; ExAC 0.00002; gnomAD exomes 0.00002; ESP Exome Variant Server 0.00008.
gnomAD v4.1: 28 of 1,614,028 alleles (0.0017%); highest among the groups gnomAD compares: Non-Finnish European, 0.0023%; no homozygotes.

Submissions (2):

Labcorp Genetics (formerly Invitae), Labcorp
Classification: Likely benign. Last evaluated: 2024-03-12. Review status: criteria provided, single submitter. Criteria: Invitae Variant Classification Sherloc (09022015). Collection method: clinical testing. Allele origin: germline.

GeneDx
Classification: Likely benign. Last evaluated: 2021-06-18. Review status: criteria provided, single submitter. Criteria: GeneDx Variant Classification Process June 2021. Collection method: clinical testing. Allele origin: germline. Affected: yes.
Comment: This variant is associated with the following publications: (PMID: 27535533)